The following is an entry in ClinVar:

NM_024577.4(SH3TC2):c.152-8T>A

Gene: SH3TC2 (SH3 domain and tetratricopeptide repeats 2; minus strand). Cytogenetic location: 5q32.
Variant type: single nucleotide variant.
Coding change: c.152-8T>A on transcript NM_024577.4 (MANE Select); 8 bases into the intron before coding-DNA position 152, T replaced by A.
Molecular consequence: intron variant.
Genome position (GRCh38, 1-based): chr5:149,047,997, A>T on the plus strand (T>A on the coding strand, the complement: SH3TC2 is on the minus strand). VCF-style: chr5-149047997-A-T. GRCh37 (hg19) VCF-style: chr5-148427560-A-T.
Other names: c.152-8T>A (NM_024577.3).
Identifiers: ClinVar variation 1053940 (VCV001053940.10), dbSNP rs1350673664, ClinGen allele CA563536902.
Genomic context (GRCh38, chr5:149,047,997, plus strand): 5'-TCCATTTACACACCTCCTGGAGCGGCTCTTTACACAGAAGGAGAGTGTCAGGTCTTAAAG[A>T]GAACAGAGAGAGAAGGATCAGGCTGAAAATAGAATAAAAAGGAAGAAAGAGTTAGATTAG-3'

ClinVar aggregate classification (germline): Uncertain significance. Review status: criteria provided, multiple submitters, no conflicts (2 of 4 stars). 2 submissions from 2 submitters: Uncertain significance (2). Last evaluated 2026-09-18.

Conditions:
Charcot-Marie-Tooth disease type 4. Also called: Charcot-Marie-Tooth disease, type IV; Charcot-Marie-Tooth, Type 4. Identifiers: Orphanet 64749, MedGen C4082197, MONDO:0018995.
SH3TC2-related disorder. Also called: SH3TC2-related condition; SH3TC2-related disorders. Identifiers: MedGen CN239303.

Allele frequency attached by ClinVar (database versions not stated): gnomAD exomes below 0.00001; gnomAD 0.00001; TOPMed 0.00001.
gnomAD v4.1: 6 of 1,613,896 alleles (0.00037%); highest among the groups gnomAD compares: Non-Finnish European, 0.00051%; no homozygotes.

Submissions (2):

PreventionGenetics, part of Exact Sciences
Classification: Uncertain significance for SH3TC2-related condition. Last evaluated: 2026-09-18. Review status: criteria provided, single submitter. Criteria: ACMG Guidelines, 2015. Collection method: clinical testing. Allele origin: germline.
Comment: The SH3TC2 c.152-8T>A variant is predicted to interfere with splicing. However, the use of computer prediction programs is not equivalent to functional evidence. To our knowledge, this variant has not been reported in the literature. This variant is reported in 0.00088% of alleles in individuals of European (non-Finnish) descent in gnomAD. At this time, the clinical significance of this variant is uncertain due to the absence of conclusive functional and genetic evidence.

Labcorp Genetics (formerly Invitae), Labcorp
Classification: Uncertain significance for Charcot-Marie-Tooth disease type 4. Last evaluated: 2022-08-23. Review status: criteria provided, single submitter. Criteria: Invitae Variant Classification Sherloc (09022015). Collection method: clinical testing. Allele origin: germline.
Comment: In summary, the available evidence is currently insufficient to determine the role of this variant in disease. Therefore, it has been classified as a Variant of Uncertain Significance. Algorithms developed to predict the effect of sequence changes on RNA splicing suggest that this variant may disrupt the consensus splice site. ClinVar contains an entry for this variant (Variation ID: 1053940). This variant has not been reported in the literature in individuals affected with SH3TC2-related conditions. This variant is present in population databases (no rsID available, gnomAD 0.0009%). This sequence change falls in intron 2 of the SH3TC2 gene. It does not directly change the encoded amino acid sequence of the SH3TC2 protein.